The following is an entry in ClinVar:

NM_000548.5(TSC2):c.4493+7C>A

Gene: TSC2 (TSC complex subunit 2; plus strand). Cytogenetic location: 16p13.3.
Variant type: single nucleotide variant.
Coding change: c.4493+7C>A on transcript NM_000548.5 (MANE Select); 7 bases into the intron after coding-DNA position 4493, C replaced by A.
Molecular consequence: intron variant.
Genome position (GRCh38, 1-based): chr16:2,084,722, C>A. VCF-style: chr16-2084722-C-A. GRCh37 (hg19) VCF-style: chr16-2134723-C-A.
Other names: c.4424+7C>A (NM_001114382.3); c.4364+7C>A (NM_021055.3, NM_001370405.1); c.4295+7C>A (NM_001363528.2); c.4361+7C>A (NM_001370404.1); c.4292+7C>A (NM_001077183.3); c.4184+7C>A (NM_001318827.2); c.3761+7C>A (NM_001318831.2); c.4148+7C>A (NM_001318829.2); and 1 more.
Identifiers: ClinVar variation 238053 (VCV000238053.38), dbSNP rs199943270, ClinGen allele CA051366.

ClinVar aggregate classification (germline): Conflicting classifications of pathogenicity. Review status: criteria provided, conflicting classifications (1 of 4 stars). 13 submissions from 13 submitters: Uncertain significance (1); Benign (6); Likely benign (4). 2 of the submissions do not count toward it. Last evaluated 2026-09-01.

Conditions:
Tuberous sclerosis syndrome (TSC). Also called: Tuberous Sclerosis Complex; Tuberous sclerosis. Identifiers: Orphanet 805, MedGen C0041341, MONDO:0001734.
Tuberous sclerosis 2 (TSC2). Identifiers: Orphanet 805, MedGen C1860707, MONDO:0013199, OMIM 613254.

Allele frequency attached by ClinVar (database versions not stated): gnomAD 0.00014 and 0.00015; ExAC 0.00017; TOPMed 0.00020; ESP Exome Variant Server 0.00023.
gnomAD v4.1: 452 of 1,598,474 alleles (0.028%); highest among the groups gnomAD compares: Non-Finnish European, 0.035%; no homozygotes.

Submissions (13):

CeGaT Center for Human Genetics Tuebingen
Classification: Likely benign. Last evaluated: 2026-09-01. Review status: criteria provided, single submitter. Criteria: CeGaT Center For Human Genetics Tuebingen Variant Classification Criteria Version 2. Collection method: clinical testing. Allele origin: germline. Affected: yes. Observed: 1 variant allele.
Comment: TSC2: BP4

Labcorp Genetics (formerly Invitae), Labcorp
Classification: Benign for Tuberous sclerosis 2. Last evaluated: 2026-01-28. Review status: criteria provided, single submitter. Criteria: Invitae Variant Classification Sherloc (09022015). Collection method: clinical testing. Allele origin: germline.

Quest Diagnostics Nichols Institute San Juan Capistrano
Classification: Benign. Last evaluated: 2025-10-16. Review status: criteria provided, single submitter. Criteria: Quest Diagnostics criteria. Collection method: clinical testing. Allele origin: unknown.

Myriad Genetics, Inc.
Classification: Benign for Tuberous sclerosis 2. Last evaluated: 2025-06-03. Review status: criteria provided, single submitter. Criteria: Myriad Autosomal Dominant, Autosomal Recessive and X-Linked Classification Criteria (2023). Collection method: clinical testing. Allele origin: unknown.
Comment: This variant is considered benign. This variant is intronic and is not expected to impact mRNA splicing. This variant has been observed at a population frequency that is significantly greater than expected given the associated disease prevalence and penetrance.

Department of Pathology and Laboratory Medicine, Sinai Health System
Classification: Likely benign for tuberous sclerosis. Last evaluated: 2024-11-04. Review status: criteria provided, single submitter. Criteria: ACMG Guidelines, 2015. Collection method: clinical testing. Allele origin: germline.

Blueprint Genetics
Classification: Likely benign. Last evaluated: 2024-06-10. Review status: criteria provided, single submitter. Criteria: ACMG Guidelines, 2015. Collection method: clinical testing. Allele origin: germline.

Genome-Nilou Lab
Classification: Benign for Tuberous sclerosis 2. Last evaluated: 2021-11-07. Review status: criteria provided, single submitter. Criteria: ACMG Guidelines, 2015. Collection method: clinical testing. Allele origin: germline. Affected: no.

Eurofins Ntd Llc (ga)
Classification: Uncertain significance. Last evaluated: 2017-03-20. Review status: criteria provided, single submitter. Criteria: EGL Classification Definitions 2015. Collection method: clinical testing. Allele origin: germline. Observed: 1 variant allele, 1 heterozygote.

Athena Diagnostics
Classification: Benign. Last evaluated: 2016-09-29. Review status: criteria provided, single submitter. Criteria: Athena Diagnostics Criteria. Collection method: clinical testing. Allele origin: germline.

GeneDx
Classification: Benign. Last evaluated: 2015-03-03. Review status: criteria provided, single submitter. Criteria: GeneDx Variant Classification Process June 2021. Collection method: clinical testing. Allele origin: germline. Affected: yes.

PreventionGenetics, part of Exact Sciences
Classification: Likely benign. Review status: criteria provided, single submitter. Criteria: ACMG Guidelines, 2015. Collection method: clinical testing. Allele origin: germline.

Clinical Genetics DNA and cytogenetics Diagnostics Lab, Erasmus MC, Erasmus Medical Center
Classification: Likely benign. Review status: no assertion criteria provided. Collection method: clinical testing. Allele origin: germline. Affected: yes. Study: VKGL Data-share Consensus. Not counted in ClinVar's aggregate classification.

Clinical Genetics, Academic Medical Center
Classification: Likely benign. Review status: no assertion criteria provided. Collection method: clinical testing. Allele origin: germline. Affected: yes. Study: VKGL Data-share Consensus. Not counted in ClinVar's aggregate classification.